The following is an entry in ClinVar:

ClinVar aggregate classification (germline): Pathogenic (1 of 4 stars; one submission).

Submission:

Labcorp Genetics (formerly Invitae), Labcorp
Classification: Pathogenic. Last evaluated: 2025-07-06. Review status: criteria provided, single submitter. Criteria: Invitae Variant Classification Sherloc (09022015). Collection method: clinical testing. Allele origin: germline.
Comment: This sequence change creates a premature translational stop signal (p.Lys608Asnfs*16) in the DNM1L gene. It is expected to result in an absent or disrupted protein product. Loss-of-function variants in DNM1L are known to be pathogenic (PMID: 26825290, 27328748). This variant is not present in population databases (gnomAD no frequency). This variant has not been reported in the literature in individuals affected with DNM1L-related conditions. For these reasons, this variant has been classified as Pathogenic.

Literature cited by the submitters: PubMed 26825290; PubMed 27328748.

NM_012062.5(DNM1L):c.1824del (p.Lys608fs)

Gene: DNM1L (dynamin 1 like; plus strand). Cytogenetic location: 12p11.21.
Variant type: Deletion.
Coding change: c.1824del on transcript NM_012062.5 (MANE Select); coding-DNA position 1824, one base deleted (A; older notation c.1824delA).
Protein change: p.Lys608fs; shifts the reading frame from lysine 608.
Molecular consequence: frameshift variant.
Genome position (GRCh38, 1-based): chr12:32,740,180, A deleted; the last of 4 consecutive A bases (chr12:32,740,177-32,740,180); deleting any one gives the same sequence. VCF-style (leftmost placement, unchanged base first): chr12-32740176-CA-C. GRCh37 (hg19) VCF-style: chr12-32893110-CA-C.
Other names: c.1791del, p.Lys597fs (NM_001278463.2); c.1863del, p.Lys621fs (NM_001278464.2); c.1830del, p.Lys610fs (NM_001278465.2); c.1215del, p.Lys405fs (NM_001278466.2); c.1752del, p.Lys584fs (NM_001330380.2); c.1713del, p.Lys571fs (NM_005690.5); c.1746del, p.Lys582fs (NM_012063.4); short protein forms K582fs, K405fs, K584fs, K610fs, K608fs, K621fs, K571fs, K597fs.
Identifiers: ClinVar variation 4722775 (VCV004722775.1).